The following is an entry in ClinVar:

NM_000540.3(RYR1):c.3263A>G (p.Tyr1088Cys)

Gene: RYR1 (ryanodine receptor 1; plus strand). Cytogenetic location: 19q13.2.
Variant type: single nucleotide variant.
Coding change: c.3263A>G on transcript NM_000540.3 (MANE Select); coding-DNA position 3263, A replaced by G.
Protein change: p.Tyr1088Cys; replaces tyrosine 1088 with cysteine.
Molecular consequence: missense variant.
Genome position (GRCh38, 1-based): chr19:38,467,694, A>G. VCF-style: chr19-38467694-A-G. GRCh37 (hg19) VCF-style: chr19-38958334-A-G.
Other names: c.3263A>G, p.Tyr1088Cys (NM_001042723.2); short protein forms Y1088C.
Identifiers: ClinVar variation 3233238 (VCV003233238.2), dbSNP rs2514101882.

ClinVar aggregate classification (germline): Likely pathogenic (1 of 4 stars; one submission).

Conditions:
Centronuclear myopathy (CNM). Also called: Centronuclear myopathy, congenital; Myotubular myopathy. Identifiers: Orphanet 595, MedGen C0175709, MONDO:0018947. Inheritance: All.

Submission:

Muscle and Diseases Team, Institut de Génétique et Biologie Moléculaire et Cellulaire
Classification: Likely pathogenic for Centronuclear myopathy. Last evaluated: 2024-03-01. Review status: criteria provided, single submitter. Criteria: ACMG Guidelines, 2015. Collection method: research. Allele origin: biparental. Affected: yes. Observed: 1 variant allele.
Comment: PM2+PP1_Moderate+PP2+PP3+PP4+PP5

Literature cited by the submitters: DOI 10.1186/s13073-024-01353-0; PubMed 22752422.